The following is an entry in ClinVar:

NM_000142.5(FGFR3):c.1674G>A (p.Ala558=)

Gene: FGFR3 (fibroblast growth factor receptor 3; plus strand). Cytogenetic location: 4p16.3.
Variant type: single nucleotide variant.
Coding change: c.1674G>A on transcript NM_000142.5 (MANE Select); coding-DNA position 1674, G replaced by A.
Protein change: p.Ala558=; no amino-acid change (alanine 558 retained).
Molecular consequence: synonymous variant. On other transcripts: non-coding transcript variant (1).
Genome position (GRCh38, 1-based): chr4:1,805,778, G>A. VCF-style: chr4-1805778-G-A. GRCh37 (hg19) VCF-style: chr4-1807505-G-A.
Other names: c.1680G>A, p.Ala560= (NM_001163213.2); c.1677G>A, p.Ala559= (NM_001354809.2, NM_001354810.2); c.1338G>A, p.Ala446= (NM_022965.4).
Identifiers: ClinVar variation 1204846 (VCV001204846.11), dbSNP rs557734169, ClinGen allele CA2810537.

ClinVar aggregate classification (germline): Likely benign. Review status: criteria provided, multiple submitters, no conflicts (2 of 4 stars). 4 submissions from 4 submitters: Likely benign (3). 1 of the submissions does not count toward it. Last evaluated 2025-01-20.

Conditions:
FGFR3-related disorder. Also called: FGFR3-related disorders.

gnomAD v4.1: 43 of 1,612,478 alleles (0.0027%); highest among the groups gnomAD compares: South Asian, 0.0077%; no homozygotes.

Submissions (4):

Labcorp Genetics (formerly Invitae), Labcorp
Classification: Likely benign. Last evaluated: 2025-01-20. Review status: criteria provided, single submitter. Criteria: Invitae Variant Classification Sherloc (09022015). Collection method: clinical testing. Allele origin: germline.

GeneDx
Classification: Likely benign. Last evaluated: 2020-07-20. Review status: criteria provided, single submitter. Criteria: GeneDx Variant Classification Process June 2021. Collection method: clinical testing. Allele origin: germline. Affected: yes.

Breakthrough Genomics
Classification: Likely benign. Review status: criteria provided, single submitter. Criteria: ACMG Guidelines, 2015. Collection method: not provided. Allele origin: germline. Inheritance: Autosomal dominant inheritance. Affected: yes.

PreventionGenetics, part of Exact Sciences
Classification: Likely benign for FGFR3-related condition. Last evaluated: 2019-04-29. Review status: no assertion criteria provided. Collection method: clinical testing. Allele origin: germline. Not counted in ClinVar's aggregate classification.
Comment: This variant is classified as likely benign based on ACMG/AMP sequence variant interpretation guidelines (Richards et al. 2015 PMID: 25741868, with internal and published modifications).